The following is an entry in ClinVar:

ClinVar aggregate classification (germline): Uncertain significance (1 of 4 stars; one submission).

Submission:

Labcorp Genetics (formerly Invitae), Labcorp
Classification: Uncertain significance. Last evaluated: 2021-07-13. Review status: criteria provided, single submitter. Criteria: Invitae Variant Classification Sherloc (09022015). Collection method: clinical testing. Allele origin: germline.
Comment: This sequence change replaces serine with arginine at codon 432 of the RELB protein (p.Ser432Arg). The serine residue is highly conserved and there is a moderate physicochemical difference between serine and arginine. This variant is not present in population databases (ExAC no frequency). This variant has not been reported in the literature in individuals with RELB-related conditions. Algorithms developed to predict the effect of missense changes on protein structure and function are either unavailable or do not agree on the potential impact of this missense change (SIFT: "Deleterious"; PolyPhen-2: "Possibly Damaging"; Align-GVGD: "Class C15"). In summary, the available evidence is currently insufficient to determine the role of this variant in disease. Therefore, it has been classified as a Variant of Uncertain Significance.

NM_006509.4(RELB):c.1296C>A (p.Ser432Arg)

Gene: RELB (RELB proto-oncogene, NF-kB subunit; plus strand). Cytogenetic location: 19q13.32.
Variant type: single nucleotide variant.
Coding change: c.1296C>A on transcript NM_006509.4 (MANE Select); coding-DNA position 1296, C replaced by A.
Protein change: p.Ser432Arg; replaces serine 432 with arginine.
Molecular consequence: missense variant.
Genome position (GRCh38, 1-based): chr19:45,034,470, C>A. VCF-style: chr19-45034470-C-A. GRCh37 (hg19) VCF-style: chr19-45537728-C-A.
Other names: short protein forms S432R.
Identifiers: ClinVar variation 1497723 (VCV001497723.8), dbSNP rs2122495192, ClinGen allele CA406307382.